The following is an entry in ClinVar:

NM_020366.4(RPGRIP1):c.3340-15C>T

Gene: RPGRIP1 (RPGR interacting protein 1; plus strand). Cytogenetic location: 14q11.2.
Variant type: single nucleotide variant.
Coding change: c.3340-15C>T on transcript NM_020366.4 (MANE Select); 15 bases into the intron before coding-DNA position 3340, C replaced by T.
Molecular consequence: intron variant.
Genome position (GRCh38, 1-based): chr14:21,343,021, C>T. VCF-style: chr14-21343021-C-T. GRCh37 (hg19) VCF-style: chr14-21811180-C-T.
Other names: c.2266-15C>T (NM_001377948.1); c.1426-15C>T (NM_001377949.1); c.1318-15C>T (NM_001377523.1, NM_001377950.1); c.823-15C>T (NM_001377951.1).
Identifiers: ClinVar variation 261229 (VCV000261229.17), dbSNP rs28664100, ClinGen allele CA7089501.

ClinVar aggregate classification (germline): Benign/Likely benign. Review status: criteria provided, multiple submitters, no conflicts (2 of 4 stars). 6 submissions from 5 submitters: Benign (3); Likely benign (3). Last evaluated 2026-02-04.

Conditions:
Cone-rod dystrophy 13 (CORD13). Identifiers: Orphanet 1872, MedGen C2750720, MONDO:0011987, OMIM 608194.
Leber congenital amaurosis 6 (LCA6). Identifiers: Orphanet 65, MedGen C1854260, MONDO:0013446, OMIM 613826.

Allele frequency attached by ClinVar (database versions not stated): gnomAD exomes 0.01270 and 0.00468; gnomAD 0.04960 and 0.05325; 1000 Genomes Project 30x 0.05949; ExAC 0.01585; ESP Exome Variant Server 0.05131; 1000 Genomes Project 0.05491; TOPMed 0.05659.
gnomAD v4.1: 14,683 of 1,604,446 alleles (0.92%); highest among the groups gnomAD compares: African/African-American, 17%; 1,170 homozygotes.

Submissions (6):

Labcorp Genetics (formerly Invitae), Labcorp
Classification: Benign for Leber congenital amaurosis 6; Cone-rod dystrophy 13. Last evaluated: 2026-02-04. Review status: criteria provided, single submitter. Criteria: Invitae Variant Classification Sherloc (09022015). Collection method: clinical testing. Allele origin: germline.

GeneDx
Classification: Benign. Last evaluated: 2018-11-20. Review status: criteria provided, single submitter. Criteria: GeneDx Variant Classification Process June 2021. Collection method: clinical testing. Allele origin: germline. Affected: yes.

Illumina Laboratory Services, Illumina
Classification: Likely benign for Cone-rod dystrophy 13. Last evaluated: 2017-04-27. Review status: criteria provided, single submitter. Criteria: ICSL Variant Classification Criteria 13 December 2019. Collection method: clinical testing. Allele origin: germline.
Comment: This variant was observed as part of a predisposition screen in an ostensibly healthy population. A literature search was performed for the gene, cDNA change, and amino acid change (where applicable). No publications were found based on this search. Allele frequency data from public databases allowed determination this variant is unlikely to cause disease. Therefore, this variant is classified as likely benign.

Illumina Laboratory Services, Illumina
Classification: Likely benign for Leber congenital amaurosis 6. Last evaluated: 2017-04-27. Review status: criteria provided, single submitter. Criteria: ICSL Variant Classification Criteria 13 December 2019. Collection method: clinical testing. Allele origin: germline.
Comment: the same text as in the submission from Illumina Laboratory Services, Illumina above.

Breakthrough Genomics
Classification: Likely benign. Review status: criteria provided, single submitter. Criteria: ACMG Guidelines, 2015. Collection method: not provided. Allele origin: germline. Inheritance: Autosomal recessive inheritance. Affected: yes.

PreventionGenetics, part of Exact Sciences
Classification: Benign. Review status: criteria provided, single submitter. Criteria: ACMG Guidelines, 2015. Collection method: clinical testing. Allele origin: germline.